The following is an entry in ClinVar:

NM_002432.3(MNDA):c.212A>T (p.Asp71Val)

Gene: MNDA (myeloid cell nuclear differentiation antigen; plus strand). Cytogenetic location: 1q23.1.
Variant type: single nucleotide variant.
Coding change: c.212A>T on transcript NM_002432.3 (MANE Select); coding-DNA position 212, A replaced by T.
Protein change: p.Asp71Val; replaces aspartic acid 71 with valine.
Molecular consequence: missense variant.
Genome position (GRCh38, 1-based): chr1:158,842,365, A>T. VCF-style: chr1-158842365-A-T. GRCh37 (hg19) VCF-style: chr1-158812155-A-T.
Other names: short protein forms D71V.
Identifiers: ClinVar variation 3397273 (VCV003397273.1).

ClinVar aggregate classification (germline): Uncertain significance (1 of 4 stars; one submission).

Submission:

Ambry Genetics
Classification: Uncertain significance. Last evaluated: 2024-06-25. Review status: criteria provided, single submitter. Criteria: Ambry Variant Classification Scheme 2023. Collection method: clinical testing. Allele origin: germline.
Comment: The p.D71V variant (also known as c.212A>T), located in coding exon 1 of the MNDA gene, results from an A to T substitution at nucleotide position 212. The aspartic acid at codon 71 is replaced by valine, an amino acid with highly dissimilar properties. This amino acid position is conserved. In addition, this alteration is predicted to be tolerated by in silico analysis. Based on the available evidence, the clinical significance of this variant remains unclear.